The following is an entry in ClinVar:

ClinVar aggregate classification (germline): Uncertain significance (1 of 4 stars; one submission).

Conditions:
Emery-Dreifuss muscular dystrophy 4, autosomal dominant (EDMD4). Also called: EMERY-DREIFUSS MUSCULAR DYSTROPHY 4 WITH VARIABLE FEATURES. Identifiers: Orphanet 261, MedGen C2751807, MONDO:0013071, OMIM 612998.
Autosomal recessive ataxia, Beauce type. Also called: Spinocerebellar ataxia, autosomal recessive 8; ATAXIA, RECESSIVE, OF BEAUCE; SYNE1-Related Autosomal Recessive Cerebellar Ataxia; SYNE1 Deficiency. Identifiers: Orphanet 88644, MedGen C1853116, MONDO:0012549, OMIM 610743.

Allele frequency attached by ClinVar (database versions not stated): gnomAD exomes below 0.00001.
gnomAD v4.1: 1 of 1,614,100 alleles (0.000062%); highest among the groups gnomAD compares: Admixed American, 0.0017%; no homozygotes.

Submission:

Labcorp Genetics (formerly Invitae), Labcorp
Classification: Uncertain significance for Emery-Dreifuss muscular dystrophy 4, autosomal dominant; Autosomal recessive ataxia, Beauce type. Last evaluated: 2022-08-21. Review status: criteria provided, single submitter. Criteria: Invitae Variant Classification Sherloc (09022015). Collection method: clinical testing. Allele origin: germline.
Comment: This sequence change replaces alanine, which is neutral and non-polar, with glutamic acid, which is acidic and polar, at codon 1547 of the SYNE1 protein (p.Ala1547Glu). The frequency data for this variant in the population databases is considered unreliable, as metrics indicate poor data quality at this position in the gnomAD database. This variant has not been reported in the literature in individuals affected with SYNE1-related conditions. ClinVar contains an entry for this variant (Variation ID: 940149). Algorithms developed to predict the effect of missense changes on protein structure and function are either unavailable or do not agree on the potential impact of this missense change (SIFT: "Deleterious"; PolyPhen-2: "Possibly Damaging"; Align-GVGD: "Class C0"). In summary, the available evidence is currently insufficient to determine the role of this variant in disease. Therefore, it has been classified as a Variant of Uncertain Significance.

NM_182961.4(SYNE1):c.4619C>A (p.Ala1540Glu)

Gene: SYNE1 (spectrin repeat containing nuclear envelope protein 1; minus strand). Cytogenetic location: 6q25.2.
Variant type: single nucleotide variant.
Coding change: c.4619C>A on transcript NM_182961.4 (MANE Select); coding-DNA position 4619, C replaced by A.
Protein change: p.Ala1540Glu; replaces alanine 1540 with glutamic acid.
Molecular consequence: missense variant.
Genome position (GRCh38, 1-based): chr6:152,430,552, G>T on the plus strand (C>A on the coding strand, the complement: SYNE1 is on the minus strand). VCF-style: chr6-152430552-G-T. GRCh37 (hg19) VCF-style: chr6-152751687-G-T.
Other names: c.4640C>A, p.Ala1547Glu (NM_033071.5); short protein forms A1547E, A1540E.
Identifiers: ClinVar variation 940149 (VCV000940149.7), dbSNP rs1187109031, ClinGen allele CA366142461.